The following is an entry in ClinVar:

NM_000522.5(HOXA13):c.363C>G (p.Ala121=)

Genes: HOXA13 (homeobox A13; minus strand), LOC107126288 (NUP98-HOXA13 recombination region; plus strand). Cytogenetic location: 7p15.2.
Variant type: single nucleotide variant.
Coding change: c.363C>G on transcript NM_000522.5 (MANE Select); coding-DNA position 363, C replaced by G.
Protein change: p.Ala121=; no amino-acid change (alanine 121 retained).
Molecular consequence: synonymous variant.
Genome position (GRCh38, 1-based): chr7:27,199,715, G>C on the plus strand (C>G on the coding strand, the complement: HOXA13 is on the minus strand). VCF-style: chr7-27199715-G-C. GRCh37 (hg19) VCF-style: chr7-27239334-G-C.
Identifiers: ClinVar variation 3036749 (VCV003036749.2), dbSNP rs1784067573, ClinGen allele CA454513904.
Genomic context (GRCh38, chr7:27,199,715, plus strand): 5'-CGGGCCGGGACCTCCCGAGGACGACGCGGCGGCGGCGGCGGCGGCTGCAGCGGCAGCCGC[G>C]GCAGCAGCGGCGGCAGCCGACGGGGGCGCCTCCCCGGGGGCGCTGCTGTAGGCGGACGCG-3'
Protein context (NP_000513.2, residues 111-131): EAPPSAAAAA[Ala121=]AAAAAAAAAA

ClinVar aggregate classification (germline): Likely benign (0 of 4 stars; one submission).

Conditions:
HOXA13-related disorder. Also called: HOXA13-related condition.

Submission:

PreventionGenetics, part of Exact Sciences
Classification: Likely benign for HOXA13-related condition. Last evaluated: 2022-08-16. Review status: no assertion criteria provided. Collection method: clinical testing. Allele origin: germline.
Comment: This variant is classified as likely benign based on ACMG/AMP sequence variant interpretation guidelines (Richards et al. 2015 PMID: 25741868, with internal and published modifications).